The following is an entry in ClinVar:

NM_001148.6(ANK2):c.11398G>A (p.Glu3800Lys)

Gene: ANK2 (ankyrin 2; plus strand). Cytogenetic location: 4q26.
Variant type: single nucleotide variant.
Coding change: c.11398G>A on transcript NM_001148.6 (MANE Select); coding-DNA position 11398, G replaced by A.
Protein change: p.Glu3800Lys; replaces glutamic acid 3800 with lysine.
Molecular consequence: missense variant.
Genome position (GRCh38, 1-based): chr4:113,369,593, G>A. VCF-style: chr4-113369593-G-A. GRCh37 (hg19) VCF-style: chr4-114290749-G-A.
Other names: c.5080G>A, p.Glu1694Lys (NM_001354255.2, NM_001386143.1, NM_001354243.2); c.5077G>A, p.Glu1693Lys (NM_001354256.2, NM_001386161.1, NM_001354244.2); c.4882G>A, p.Glu1628Lys (NM_001354257.2, NM_001386156.1); c.5044G>A, p.Glu1682Lys (NM_001354258.2, NM_001354228.2); c.4858G>A, p.Glu1620Lys (NM_001354260.2, NM_001354271.2, NM_001386151.1); c.4957G>A, p.Glu1653Lys (NM_001386162.1, NM_001354266.2, NM_001354267.2 and 2 more transcripts); c.5002G>A, p.Glu1668Lys (NM_001354261.2); c.7798G>A, p.Glu2600Lys (NM_001386166.1); and 35 more; short protein forms E1706K, E3800K, E1587K, E1615K, E1637K, E1660K, E1668K, E1681K.
Identifiers: ClinVar variation 385149 (VCV000385149.11), dbSNP rs1057522136, ClinGen allele CA16604572.

ClinVar aggregate classification (germline): Uncertain significance. Review status: criteria provided, multiple submitters, no conflicts (2 of 4 stars). 4 submissions from 4 submitters: Uncertain significance (4). Last evaluated 2025-10-27.

Conditions:
Cardiovascular phenotype. Identifiers: MedGen CN230736.
Long QT syndrome (LQTS). Identifiers: MedGen C0023976, MeSH D008133, MONDO:0002442. Disease mechanism: loss of function. Inheritance: Various modes of inheritance.
Cardiac arrhythmia, ankyrin-B-related. Also called: ANKYRIN-B SYNDROME. Identifiers: Orphanet 101016, Orphanet 768, MedGen C1970119, MONDO:0010958, OMIM 600919.

Allele frequency attached by ClinVar (database versions not stated): gnomAD exomes 0.00001.
gnomAD v4.1: 4 of 1,614,096 alleles (0.00025%); highest among the groups gnomAD compares: Non-Finnish European, 0.00034%; no homozygotes.

Submissions (4):

Labcorp Genetics (formerly Invitae), Labcorp
Classification: Uncertain significance for Long QT syndrome. Last evaluated: 2025-10-27. Review status: criteria provided, single submitter. Criteria: Invitae Variant Classification Sherloc (09022015). Collection method: clinical testing. Allele origin: germline.
Comment: This sequence change replaces glutamic acid, which is acidic and polar, with lysine, which is basic and polar, at codon 3800 of the ANK2 protein (p.Glu3800Lys). This variant is present in population databases (no rsID available, gnomAD 0.002%). This variant has not been reported in the literature in individuals affected with ANK2-related conditions. ClinVar contains an entry for this variant (Variation ID: 385149). An algorithm developed to predict the effect of missense changes on protein structure and function (PolyPhen-2) suggests that this variant is likely to be disruptive. In summary, the available evidence is currently insufficient to determine the role of this variant in disease. Therefore, it has been classified as a Variant of Uncertain Significance.

Ambry Genetics
Classification: Uncertain significance for Cardiovascular phenotype. Last evaluated: 2021-12-29. Review status: criteria provided, single submitter. Criteria: Ambry Variant Classification Scheme 2023. Collection method: clinical testing. Allele origin: germline.
Comment: The p.E3800K variant (also known as c.11398G>A), located in coding exon 43 of the ANK2 gene, results from a G to A substitution at nucleotide position 11398. The glutamic acid at codon 3800 is replaced by lysine, an amino acid with similar properties. This amino acid position is not well conserved in available vertebrate species. In addition, the in silico prediction for this alteration is inconclusive. Based on its frequency in gnomAD, this variant is unlikely to be causative of ANK2-related arrhythmia; however, its clinical significance for ANK2-related neurodevelopmental disorder is unclear.

Fulgent Genetics
Classification: Uncertain significance for Cardiac arrhythmia, ankyrin-B-related. Last evaluated: 2021-11-11. Review status: criteria provided, single submitter. Criteria: ACMG Guidelines, 2015. Collection method: clinical testing. Allele origin: unknown.

GeneDx
Classification: Uncertain significance. Last evaluated: 2016-03-28. Review status: criteria provided, single submitter. Criteria: GeneDx Variant Classification (06012015). Collection method: clinical testing. Allele origin: germline. Affected: yes.
Comment: A novel variant of uncertain significance has been identified in the ANK2 gene. The E3800K variant has not been published as a pathogenic variant, nor has it been reported as a benign variant to our knowledge. It was not observed in approximately 6,500 individuals of European and African American ancestry in the NHLBI Exome Sequencing Project, indicating it is not a common benign variant in these populations. The E3800K variant is a non-conservative amino acid substitution, which is likely to impact secondary protein structure as these residues differ in polarity, charge, size and/or other properties. However, this substitution occurs at a position that is not conserved across species, and in silico analysis is inconsistent in its predictions as to whether or not the variant is damaging to the protein structure/function.Therefore, based on the currently available information, it is unclear whether this variant is pathogenic or rare benign.